The following is an entry in ClinVar:

NM_020778.5(ALPK3):c.2869A>G (p.Ile957Val)

Gene: ALPK3 (alpha kinase 3; plus strand). Cytogenetic location: 15q25.3.
Variant type: single nucleotide variant.
Coding change: c.2869A>G on transcript NM_020778.5 (MANE Select); coding-DNA position 2869, A replaced by G.
Protein change: p.Ile957Val; replaces isoleucine 957 with valine.
Molecular consequence: missense variant.
Genome position (GRCh38, 1-based): chr15:84,857,607, A>G. VCF-style: chr15-84857607-A-G. GRCh37 (hg19) VCF-style: chr15-85400838-A-G.
Other names: short protein forms I957V.
Identifiers: ClinVar variation 3291587 (VCV003291587.3).

ClinVar aggregate classification (germline): Uncertain significance. Review status: criteria provided, multiple submitters, no conflicts (2 of 4 stars). 2 submissions from 2 submitters: Uncertain significance (2). Last evaluated 2024-09-02.

Conditions:
Cardiovascular phenotype. Identifiers: MedGen CN230736.

gnomAD v4.1: 11 of 1,576,138 alleles (0.0007%); highest among the groups gnomAD compares: African/African-American, 0.0013%; no homozygotes.

Submissions (2):

Labcorp Genetics (formerly Invitae), Labcorp
Classification: Uncertain significance. Last evaluated: 2024-09-02. Review status: criteria provided, single submitter. Criteria: Invitae Variant Classification Sherloc (09022015). Collection method: clinical testing. Allele origin: germline.
Comment: This sequence change replaces isoleucine, which is neutral and non-polar, with valine, which is neutral and non-polar, at codon 1159 of the ALPK3 protein (p.Ile1159Val). This variant is present in population databases (rs534659024, gnomAD 0.007%). This variant has not been reported in the literature in individuals affected with ALPK3-related conditions. An algorithm developed to predict the effect of missense changes on protein structure and function (PolyPhen-2) suggests that this variant is likely to be disruptive. In summary, the available evidence is currently insufficient to determine the role of this variant in disease. Therefore, it has been classified as a Variant of Uncertain Significance.

Ambry Genetics
Classification: Uncertain significance for Cardiovascular phenotype. Last evaluated: 2024-05-02. Review status: criteria provided, single submitter. Criteria: Ambry Variant Classification Scheme 2023. Collection method: clinical testing. Allele origin: germline.
Comment: The p.I1159V variant (also known as c.3475A>G), located in coding exon 6 of the ALPK3 gene, results from an A to G substitution at nucleotide position 3475. The isoleucine at codon 1159 is replaced by valine, an amino acid with highly similar properties. This amino acid position is conserved. In addition, this alteration is predicted to be tolerated by in silico analysis. Based on the available evidence, the clinical significance of this variant remains unclear.